The following is an entry in ClinVar:

NM_001128159.3(VPS53):c.859del (p.Arg287fs)

Gene: VPS53 (VPS53 subunit of GARP complex; minus strand). Cytogenetic location: 17p13.3.
Variant type: Deletion.
Coding change: c.859del on transcript NM_001128159.3 (MANE Select); coding-DNA position 859, one base deleted (C; older notation c.859delC).
Protein change: p.Arg287fs; shifts the reading frame from arginine 287.
Molecular consequence: frameshift variant.
Genome position (GRCh38, 1-based): chr17:627,289, G deleted on the plus strand (C on the coding strand, the reverse complement: VPS53 is on the minus strand). VCF-style (leftmost placement, unchanged base first): chr17-627288-CG-C. GRCh37 (hg19) VCF-style: chr17-530528-CG-C.
Other names: c.859del, p.Arg287fs (NM_001366253.2); c.265del, p.Arg89fs (NM_001366254.2); c.772del, p.Arg258fs (NM_018289.4); short protein forms R258fs, R287fs, R89fs.
Identifiers: ClinVar variation 5016300 (VCV005016300.1).

ClinVar aggregate classification (germline): Pathogenic (1 of 4 stars; one submission).

Conditions:
Pontocerebellar hypoplasia type 2E. Identifiers: Orphanet 247198, MedGen C4014488, MONDO:0014370, OMIM 615851.

Submission:

Myriad Genetics, Inc.
Classification: Pathogenic for Pontocerebellar hypoplasia type 2E. Last evaluated: 2026-08-29. Review status: criteria provided, single submitter. Criteria: Myriad Autosomal Dominant, Autosomal Recessive and X-Linked Classification Criteria (2023). Collection method: clinical testing. Allele origin: unknown.
Comment: NM_001128159.2(VPS53):c.859delC(R287Afs*5) is expected to be pathogenic in the context of pontocerebellar hypoplasia, VPS53-related. This variant is predicted to lead to an abnormal or absent protein product due to the creation of a premature termination codon in VPS53, a gene where loss-of-function variants are known to be pathogenic. Please note: this variant was assessed in the context of healthy population screening.